The following is an entry in ClinVar:

ClinVar aggregate classification (germline): Likely benign. Review status: criteria provided, multiple submitters, no conflicts (2 of 4 stars). 4 submissions from 4 submitters: Likely benign (4). Last evaluated 2026-01-28.

Conditions:
Hereditary pulmonary alveolar proteinosis. Also called: Pulmonary surfactant metabolism dysfunction. Identifiers: Orphanet 264675, MedGen C3711368, MONDO:0012580.

Allele frequency attached by ClinVar (database versions not stated): ESP Exome Variant Server 0.00008; gnomAD exomes 0.00008 and 0.00009; ExAC 0.00009; gnomAD 0.00009; TOPMed 0.00012.
gnomAD v4.1: 166 of 1,612,818 alleles (0.01%); highest among the groups gnomAD compares: Middle Eastern, 0.28%; 2 homozygotes.

Submissions (4):

Labcorp Genetics (formerly Invitae), Labcorp
Classification: Likely benign. Last evaluated: 2026-01-28. Review status: criteria provided, single submitter. Criteria: Invitae Variant Classification Sherloc (09022015). Collection method: clinical testing. Allele origin: germline.

Blueprint Genetics
Classification: Likely benign. Last evaluated: 2024-09-23. Review status: criteria provided, single submitter. Criteria: ACMG Guidelines, 2015. Collection method: clinical testing. Allele origin: germline.

Ambry Genetics
Classification: Likely benign for Hereditary pulmonary alveolar proteinosis. Last evaluated: 2023-07-24. Review status: criteria provided, single submitter. Criteria: Ambry Variant Classification Scheme 2023. Collection method: clinical testing. Allele origin: germline.

Laboratory for Molecular Medicine, Mass General Brigham Personalized Medicine
Classification: Likely benign. Last evaluated: 2016-05-20. Review status: criteria provided, single submitter. Criteria: LMM Criteria. Collection method: clinical testing. Allele origin: germline. Observed: 1 variant allele.
Comment: p.Thr966Thr in exon 21 of ABCA3: This variant is not expected to have clinical s ignificance because it does not alter an amino acid residue and is not located w ithin the splice consensus sequence. It has been identified in 2/8324 African ch romosomes by the Exome Aggregation Consortium (ExAC .org; dbSNP rs374605569).

NM_001089.3(ABCA3):c.2898C>T (p.Thr966=)

Gene: ABCA3 (ATP binding cassette subfamily A member 3; minus strand). Cytogenetic location: 16p13.3.
Variant type: single nucleotide variant.
Coding change: c.2898C>T on transcript NM_001089.3 (MANE Select); coding-DNA position 2898, C replaced by T.
Protein change: p.Thr966=; no amino-acid change (threonine 966 retained).
Molecular consequence: synonymous variant.
Genome position (GRCh38, 1-based): chr16:2,288,132, G>A on the plus strand (C>T on the coding strand, the complement: ABCA3 is on the minus strand). VCF-style: chr16-2288132-G-A. GRCh37 (hg19) VCF-style: chr16-2338133-G-A.
Identifiers: ClinVar variation 504720 (VCV000504720.14), dbSNP rs374605569, ClinGen allele CA7840676.